The following is an entry in ClinVar:

NM_000057.4(BLM):c.1201C>T (p.Leu401Phe)

Gene: BLM (BLM RecQ like helicase; plus strand). Cytogenetic location: 15q26.1.
Variant type: single nucleotide variant.
Coding change: c.1201C>T on transcript NM_000057.4 (MANE Select); coding-DNA position 1201, C replaced by T.
Protein change: p.Leu401Phe; replaces leucine 401 with phenylalanine.
Molecular consequence: missense variant.
Genome position (GRCh38, 1-based): chr15:90,760,260, C>T. VCF-style: chr15-90760260-C-T. GRCh37 (hg19) VCF-style: chr15-91303490-C-T.
Other names: c.1201C>T, p.Leu401Phe (NM_001287246.2, NM_001287247.2); c.76C>T, p.Leu26Phe (NM_001287248.2); c.1201C>T (NM_000057.2); short protein forms L401F, L26F.
Identifiers: ClinVar variation 454067 (VCV000454067.14), dbSNP rs151150267, ClinGen allele CA7738482.

ClinVar aggregate classification (germline): Uncertain significance. Review status: criteria provided, multiple submitters, no conflicts (2 of 4 stars). 3 submissions from 3 submitters: Uncertain significance (2). 1 of the submissions does not count toward it. Last evaluated 2025-07-07.

Conditions:
Hereditary cancer-predisposing syndrome. Also called: Hereditary Cancer Syndrome; Hereditary neoplastic syndrome; Neoplastic Syndromes, Hereditary; Tumor predisposition. Identifiers: Orphanet 140162, MedGen C0027672, MeSH D009386, MONDO:0015356.
Bloom syndrome (BLM). Also called: Bloom-Torre-Machacek syndrome. Identifiers: Orphanet 125, MedGen C0005859, MONDO:0008876, OMIM 210900.

Allele frequency attached by ClinVar (database versions not stated): gnomAD exomes below 0.00001 and 0.00004; TOPMed below 0.00001; ExAC 0.00001; ESP Exome Variant Server 0.00008.
gnomAD v4.1: 55 of 1,614,106 alleles (0.0034%); highest among the groups gnomAD compares: Non-Finnish European, 0.0042%; no homozygotes.

Submissions (3):

Ambry Genetics
Classification: Uncertain significance for Hereditary cancer-predisposing syndrome. Last evaluated: 2025-07-07. Review status: criteria provided, single submitter. Criteria: Ambry Variant Classification Scheme 2023. Collection method: clinical testing. Allele origin: germline.
Comment: The p.L401F variant (also known as c.1201C>T), located in coding exon 5 of the BLM gene, results from a C to T substitution at nucleotide position 1201. The leucine at codon 401 is replaced by phenylalanine, an amino acid with highly similar properties. This amino acid position is conserved. In addition, this alteration is predicted to be tolerated by in silico analysis. Since supporting evidence is limited at this time, the clinical significance of this alteration remains unclear.

Labcorp Genetics (formerly Invitae), Labcorp
Classification: Uncertain significance for Bloom syndrome. Last evaluated: 2024-04-08. Review status: criteria provided, single submitter. Criteria: Invitae Variant Classification Sherloc (09022015). Collection method: clinical testing. Allele origin: germline.
Comment: This sequence change replaces leucine, which is neutral and non-polar, with phenylalanine, which is neutral and non-polar, at codon 401 of the BLM protein (p.Leu401Phe). This variant is present in population databases (rs151150267, gnomAD 0.0009%). This variant has not been reported in the literature in individuals affected with BLM-related conditions. This missense change has been observed to co-occur in individuals with a different variant in BLM that has been determined to be pathogenic (Invitae), but the significance of this finding is unclear. ClinVar contains an entry for this variant (Variation ID: 454067). Advanced modeling of protein sequence and biophysical properties (such as structural, functional, and spatial information, amino acid conservation, physicochemical variation, residue mobility, and thermodynamic stability) performed at Invitae indicates that this missense variant is not expected to disrupt BLM protein function with a negative predictive value of 80%. In summary, the available evidence is currently insufficient to determine the role of this variant in disease. Therefore, it has been classified as a Variant of Uncertain Significance.

Natera, Inc.
Classification: Uncertain significance for Bloom syndrome. Last evaluated: 2020-09-16. Review status: no assertion criteria provided. Collection method: clinical testing. Allele origin: germline. Not counted in ClinVar's aggregate classification.